The following is an entry in ClinVar:

NM_003482.4(KMT2D):c.1844C>G (p.Ser615Cys)

Gene: KMT2D (lysine methyltransferase 2D; minus strand). Cytogenetic location: 12q13.12.
Variant type: single nucleotide variant.
Coding change: c.1844C>G on transcript NM_003482.4 (MANE Select); coding-DNA position 1844, C replaced by G.
Protein change: p.Ser615Cys; replaces serine 615 with cysteine.
Molecular consequence: missense variant.
Genome position (GRCh38, 1-based): chr12:49,051,839, G>C on the plus strand (C>G on the coding strand, the complement: KMT2D is on the minus strand). VCF-style: chr12-49051839-G-C. GRCh37 (hg19) VCF-style: chr12-49445622-G-C.
Other names: short protein forms S615C.
Identifiers: ClinVar variation 568232 (VCV000568232.11), dbSNP rs1565819202, ClinGen allele CA384670061.

ClinVar aggregate classification (germline): Uncertain significance. Review status: criteria provided, multiple submitters, no conflicts (2 of 4 stars). 3 submissions from 3 submitters: Uncertain significance (2). 1 of the submissions does not count toward it. Last evaluated 2025-10-15.

Conditions:
Kabuki syndrome. Also called: NIIKAWA-KUROKI SYNDROME; Kabuki make-up syndrome. Identifiers: Orphanet 2322, MedGen C0796004, MONDO:0016512.
KMT2D-related disorder. Also called: KMT2D-Related Disorders.

Submissions (3):

Labcorp Genetics (formerly Invitae), Labcorp
Classification: Uncertain significance for Kabuki syndrome. Last evaluated: 2025-10-15. Review status: criteria provided, single submitter. Criteria: Invitae Variant Classification Sherloc (09022015). Collection method: clinical testing. Allele origin: germline.
Comment: This sequence change replaces serine, which is neutral and polar, with cysteine, which is neutral and slightly polar, at codon 615 of the KMT2D protein (p.Ser615Cys). This variant is not present in population databases (gnomAD no frequency). This variant has not been reported in the literature in individuals affected with KMT2D-related conditions. ClinVar contains an entry for this variant (Variation ID: 568232). Invitae Evidence Modeling of protein sequence and biophysical properties (such as structural, functional, and spatial information, amino acid conservation, physicochemical variation, residue mobility, and thermodynamic stability) indicates that this missense variant is not expected to disrupt KMT2D protein function with a negative predictive value of 95%. In summary, the available evidence is currently insufficient to determine the role of this variant in disease. Therefore, it has been classified as a Variant of Uncertain Significance.

Laboratory of Molecular Genetics (Pr. Bezieau's lab), CHU de Nantes
Classification: Uncertain significance. Last evaluated: 2019-05-17. Review status: criteria provided, single submitter. Criteria: ACMG Guidelines, 2015. Collection method: clinical testing. Allele origin: germline. Affected: yes.

PreventionGenetics, part of Exact Sciences
Classification: Uncertain significance for KMT2D-related condition. Last evaluated: 2024-01-10. Review status: no assertion criteria provided. Collection method: clinical testing. Allele origin: germline. Not counted in ClinVar's aggregate classification.
Comment: The KMT2D c.1844C>G variant is predicted to result in the amino acid substitution p.Ser615Cys. To our knowledge, this variant has not been reported in the literature or in a large population database, indicating this variant is rare. At this time, the clinical significance of this variant is uncertain due to the absence of conclusive functional and genetic evidence.